The following is an entry in ClinVar:

ClinVar aggregate classification (germline): Conflicting classifications of pathogenicity. Review status: criteria provided, conflicting classifications (1 of 4 stars). 6 submissions from 6 submitters: Uncertain significance (4); Likely benign (2). Last evaluated 2025-10-22.

Conditions:
Breast-ovarian cancer, familial, susceptibility to, 1 (BROVCA1). Also called: OVARIAN CANCER, SUSCEPTIBILITY TO; BRCA1 Hereditary Breast and Ovarian Cancer. Identifiers: Orphanet 145, MedGen C2676676, MONDO:0011450, OMIM 604370. Disease mechanism: loss of function.
Hereditary cancer-predisposing syndrome. Also called: Hereditary neoplastic syndrome; Tumor predisposition; Hereditary Cancer Syndrome; Neoplastic Syndromes, Hereditary. Identifiers: Orphanet 140162, MedGen C0027672, MeSH D009386, MONDO:0015356.

Submissions (6):

Ambry Genetics
Classification: Uncertain significance for Hereditary cancer-predisposing syndrome. Last evaluated: 2025-10-22. Review status: criteria provided, single submitter. Criteria: Ambry Variant Classification Scheme 2023. Collection method: clinical testing. Allele origin: germline.

Myriad Genetics, Inc.
Classification: Likely benign for Breast-ovarian cancer, familial, susceptibility to, 1. Last evaluated: 2025-04-30. Review status: criteria provided, single submitter. Criteria: Myriad Autosomal Dominant, Autosomal Recessive and X-Linked Classification Criteria (2023). Collection method: clinical testing. Allele origin: unknown.
Comment: This variant is considered likely benign. This variant been observed in trans with a known pathogenic variant in one or more individuals. Compound heterozygosity for pathogenic variants in this gene is generally assumed to result in embryonic lethality.

All of Us Research Program, National Institutes of Health
Classification: Uncertain significance for Breast-ovarian cancer, familial, susceptibility to, 1. Last evaluated: 2023-12-13. Review status: criteria provided, single submitter. Criteria: ACMG Guidelines, 2015. Collection method: clinical testing. Allele origin: germline. Inheritance: Autosomal dominant inheritance. Observed: 1 variant allele, 1 heterozygote.
Comment: This missense variant replaces cysteine with serine at codon 644 of the BRCA1 protein. Computational prediction is inconclusive regarding the impact of this variant on protein structure and function (internally defined REVEL score threshold 0.5 < inconclusive < 0.7, PMID: 27666373). To our knowledge, functional studies have not been reported for this variant. A different variant causing the same protein change has been reported in an individual affected with ovarian, fallopian tube or primary peritoneal carcinoma (PMID: 33078592). This variant has not been identified in the general population by the Genome Aggregation Database (gnomAD). The available evidence is insufficient to determine the role of this variant in disease conclusively. Therefore, this variant is classified as a Variant of Uncertain Significance.

This study involves interpretation of variants in research participants for the purpose of population health screening. Participant phenotype was not available at the time of variant classification. Additional details can be found in publication PMID: 35346344, PMCID: PMC8962531

Color Diagnostics, LLC DBA Color Health
Classification: Uncertain significance for Hereditary cancer-predisposing syndrome. Last evaluated: 2023-11-02. Review status: criteria provided, single submitter. Criteria: ACMG Guidelines, 2015. Collection method: clinical testing. Allele origin: germline.
Comment: This missense variant replaces cysteine with serine at codon 644 of the BRCA1 protein. Computational prediction is inconclusive regarding the impact of this variant on protein structure and function (internally defined REVEL score threshold 0.5 < inconclusive < 0.7, PMID: 27666373). To our knowledge, functional studies have not been reported for this variant. A different variant causing the same protein change has been reported in an individual affected with ovarian, fallopian tube or primary peritoneal carcinoma (PMID: 33078592). This variant has not been identified in the general population by the Genome Aggregation Database (gnomAD). The available evidence is insufficient to determine the role of this variant in disease conclusively. Therefore, this variant is classified as a Variant of Uncertain Significance.

University of Washington Department of Laboratory Medicine, University of Washington
Classification: Likely benign for Hereditary cancer-predisposing syndrome. Last evaluated: 2023-03-23. Review status: criteria provided, single submitter. Criteria: Dines et al. (Genet Med. 2020). Collection method: curation. Allele origin: germline.
Comment: Missense variant in a coldspot region where missense variants are very unlikely to be pathogenic (PMID:31911673).

BRCA1 coldspot (exon 11 using historical exon numbering). Reclassification based on statistical prior probability

Women's Health and Genetics/Laboratory Corporation of America, LabCorp
Classification: Uncertain significance. Last evaluated: 2020-04-06. Review status: criteria provided, single submitter. Criteria: LabCorp Variant Classification Summary - May 2015. Collection method: clinical testing. Allele origin: germline.
Comment: Variant summary: BRCA1 c.1931G>C (p.Cys644Ser) results in a non-conservative amino acid change in the encoded protein sequence. Three of five in-silico tools predict a benign effect of the variant on protein function. The variant was absent in 250856 control chromosomes. The available data on variant occurrences in the general population are insufficient to allow any conclusion about variant significance. To our knowledge, no occurrence of c.1931G>C in individuals affected with Hereditary Breast and Ovarian Cancer and no experimental evidence demonstrating its impact on protein function have been reported. However, another variant (c.1930T>A) causing same amino acid change, has been reported in one patient susceptible to hereditary breast and ovarian cancer (PMID 28111427). One clinical diagnostic laboratory has submitted clinical-significance assessments for this variant to ClinVar after 2014 without evidence for independent evaluation and classified the variant as uncertain significance. Based on the evidence outlined above, the variant was classified as uncertain significance.

Literature cited by the submitters: PubMed 33078592 (cited by All of Us Research Program, National Institutes of Health and Color Diagnostics, LLC DBA Color Health).

NM_007294.4(BRCA1):c.1931G>C (p.Cys644Ser)

Gene: BRCA1 (BRCA1 DNA repair associated; minus strand). Cytogenetic location: 17q21.31.
Variant type: single nucleotide variant.
Coding change: c.1931G>C on transcript NM_007294.4 (MANE Select); coding-DNA position 1931, G replaced by C.
Protein change: p.Cys644Ser; replaces cysteine 644 with serine.
Molecular consequence: missense variant. On other transcripts: intron variant (137).
Genome position (GRCh38, 1-based): chr17:43,093,600, C>G on the plus strand (G>C on the coding strand, the complement: BRCA1 is on the minus strand). VCF-style: chr17-43093600-C-G. GRCh37 (hg19) VCF-style: chr17-41245617-C-G.
Other names: c.1721G>C, p.Cys574Ser (NM_001407907.1, NM_001407908.1, NM_001407909.1 and 13 more transcripts); c.1718G>C, p.Cys573Ser (NM_001407915.1, NM_001407571.1, NM_001407853.1 and 9 more transcripts); c.1667G>C, p.Cys556Ser (NM_001407926.1, NM_001407927.1, NM_001407928.1 and 9 more transcripts); c.1664G>C, p.Cys555Ser (NM_001407930.1, NM_001407931.1, NM_001407932.1 and 2 more transcripts); c.1790G>C, p.Cys597Ser (NM_001407945.1, NM_007297.4, NM_001407692.1 and 29 more transcripts); c.1598G>C, p.Cys533Ser (NM_001407946.1, NM_001407947.1, NM_001407948.1 and 6 more transcripts); c.1427G>C, p.Cys476Ser (NM_001407965.1); c.1043G>C, p.Cys348Ser (NM_001407966.1, NM_001407967.1); and 40 more; short protein forms C644S, C597S, C573S, C603S, C533S, C556S, C576S, C602S.
Identifiers: ClinVar variation 630428 (VCV000630428.14), dbSNP rs876658606, ClinGen allele CA10598163.